The following is an entry in ClinVar:

NM_001367624.2(ZNF469):c.2632G>A (p.Gly878Ser)

Gene: ZNF469 (zinc finger protein 469; plus strand). Cytogenetic location: 16q24.2.
Variant type: single nucleotide variant.
Coding change: c.2632G>A on transcript NM_001367624.2 (MANE Select); coding-DNA position 2632, G replaced by A.
Protein change: p.Gly878Ser; replaces glycine 878 with serine.
Molecular consequence: missense variant.
Genome position (GRCh38, 1-based): chr16:88,430,102, G>A. VCF-style: chr16-88430102-G-A. GRCh37 (hg19) VCF-style: chr16-88496510-G-A.
Other names: NM_001127464.1:c.2632G>A; short protein forms G878S.
Identifiers: ClinVar variation 1794071 (VCV001794071.3), dbSNP rs556173403, ClinGen allele CA286373858.

ClinVar aggregate classification (germline): Uncertain significance (1 of 4 stars; one submission).

Conditions:
Cardiovascular phenotype. Identifiers: MedGen CN230736.

Allele frequency attached by ClinVar (database versions not stated): gnomAD exomes below 0.00001; TOPMed below 0.00001; gnomAD 0.00001; 1000 Genomes Project 0.00020.
gnomAD v4.1: 5 of 1,542,420 alleles (0.00032%); highest among the groups gnomAD compares: Admixed American, 0.004%; no homozygotes.

Submission:

Ambry Genetics
Classification: Uncertain significance for Cardiovascular phenotype. Last evaluated: 2024-12-09. Review status: criteria provided, single submitter. Criteria: Ambry Variant Classification Scheme 2023. Collection method: clinical testing. Allele origin: germline.
Comment: The p.G878S variant (also known as c.2632G>A), located in coding exon 1 of the ZNF469 gene, results from a G to A substitution at nucleotide position 2632. The glycine at codon 878 is replaced by serine, an amino acid with similar properties. This amino acid position is conserved. In addition, this alteration is predicted to be tolerated by in silico analysis. Since supporting evidence is limited at this time, the clinical significance of this alteration remains unclear.